The following is an entry in ClinVar:

ClinVar aggregate classification (germline): Uncertain significance (1 of 4 stars; one submission).

Conditions:
Atrial septal defect 5 (ASD5). Identifiers: Orphanet 1478, MedGen C2748552, MONDO:0013011, OMIM 612794.
Dilated cardiomyopathy 1R (CMD1R). Identifiers: Orphanet 154, Orphanet 54260, MedGen C3150681, MONDO:0013261, OMIM 613424.
Hypertrophic cardiomyopathy 11. Also called: ACTC1-Related Familial Hypertrophic Cardiomyopathy. Identifiers: MedGen C2677506, MONDO:0012799, OMIM 612098.

gnomAD v4.1: 1 of 1,613,504 alleles (0.000062%); highest among the groups gnomAD compares: Non-Finnish European, 0.000085%; no homozygotes.

Submission:

Labcorp Genetics (formerly Invitae), Labcorp
Classification: Uncertain significance for Dilated cardiomyopathy 1R; Hypertrophic cardiomyopathy 11; Atrial septal defect 5. Last evaluated: 2022-07-21. Review status: criteria provided, single submitter. Criteria: Invitae Variant Classification Sherloc (09022015). Collection method: clinical testing. Allele origin: germline.
Comment: This sequence change replaces aspartic acid, which is acidic and polar, with glutamic acid, which is acidic and polar, at codon 4 of the ACTC1 protein (p.Asp4Glu). This variant is not present in population databases (gnomAD no frequency). This variant has not been reported in the literature in individuals affected with ACTC1-related conditions. ClinVar contains an entry for this variant (Variation ID: 538807). Algorithms developed to predict the effect of missense changes on protein structure and function (SIFT, PolyPhen-2, Align-GVGD) all suggest that this variant is likely to be tolerated. In summary, the available evidence is currently insufficient to determine the role of this variant in disease. Therefore, it has been classified as a Variant of Uncertain Significance.

NM_005159.5(ACTC1):c.12C>A (p.Asp4Glu)

Genes: ACTC1 (actin alpha cardiac muscle 1; minus strand), GJD2-DT (GJD2 divergent transcript; plus strand). Cytogenetic location: 15q14.
Variant type: single nucleotide variant.
Coding change: c.12C>A on transcript NM_005159.5 (MANE Select); coding-DNA position 12, C replaced by A.
Protein change: p.Asp4Glu; replaces aspartic acid 4 with glutamic acid.
Molecular consequence: missense variant.
Genome position (GRCh38, 1-based): chr15:34,794,797, G>T on the plus strand (C>A on the coding strand, the complement: ACTC1 is on the minus strand). VCF-style: chr15-34794797-G-T. GRCh37 (hg19) VCF-style: chr15-35086998-G-T.
Other names: c.12C>A (LRG_388t1); short protein forms D4E.
Identifiers: ClinVar variation 538807 (VCV000538807.8), dbSNP rs768526036, ClinGen allele CA391633489.